The following is an entry in ClinVar:

ClinVar aggregate classification (germline): Likely benign. Review status: criteria provided, multiple submitters, no conflicts (2 of 4 stars). 3 submissions from 3 submitters: Likely benign (3). Last evaluated 2024-12-16.

Conditions:
Hereditary cancer-predisposing syndrome. Also called: Neoplastic Syndromes, Hereditary; Tumor predisposition; Hereditary neoplastic syndrome; Hereditary Cancer Syndrome. Identifiers: Orphanet 140162, MedGen C0027672, MeSH D009386, MONDO:0015356.
Bloom syndrome (BLM). Also called: Bloom-Torre-Machacek syndrome. Identifiers: Orphanet 125, MedGen C0005859, MONDO:0008876, OMIM 210900.

Allele frequency attached by ClinVar (database versions not stated): TOPMed below 0.00001.

Submissions (3):

Labcorp Genetics (formerly Invitae), Labcorp
Classification: Likely benign for Bloom syndrome. Last evaluated: 2024-12-16. Review status: criteria provided, single submitter. Criteria: Invitae Variant Classification Sherloc (09022015). Collection method: clinical testing. Allele origin: germline.

CeGaT Center for Human Genetics Tuebingen
Classification: Likely benign. Last evaluated: 2024-03-01. Review status: criteria provided, single submitter. Criteria: CeGaT Center For Human Genetics Tuebingen Variant Classification Criteria Version 2. Collection method: clinical testing. Allele origin: germline. Affected: yes. Observed: 1 variant allele.
Comment: BLM: PM2:Supporting, BP4, BP7

Ambry Genetics
Classification: Likely benign for Hereditary cancer-predisposing syndrome. Last evaluated: 2022-04-21. Review status: criteria provided, single submitter. Criteria: Ambry Variant Classification Scheme 2023. Collection method: clinical testing. Allele origin: germline.

NM_000057.4(BLM):c.240C>T (p.Thr80=)

Gene: BLM (BLM RecQ like helicase; plus strand). Cytogenetic location: 15q26.1.
Variant type: single nucleotide variant.
Coding change: c.240C>T on transcript NM_000057.4 (MANE Select); coding-DNA position 240, C replaced by T.
Protein change: p.Thr80=; no amino-acid change (threonine 80 retained).
Molecular consequence: synonymous variant. On other transcripts: 5 prime UTR variant (1).
Genome position (GRCh38, 1-based): chr15:90,749,508, C>T. VCF-style: chr15-90749508-C-T. GRCh37 (hg19) VCF-style: chr15-91292738-C-T.
Other names: c.240C>T, p.Thr80= (NM_001287246.2, NM_001287247.2); c.-1052C>T (NM_001287248.2).
Identifiers: ClinVar variation 1107340 (VCV001107340.32), dbSNP rs1895606265, ClinGen allele CA492301122.